The following is an entry in ClinVar:

NM_005055.5(RAPSN):c.265C>G (p.Leu89Val)

Gene: RAPSN (receptor associated protein of the synapse; minus strand). Cytogenetic location: 11p11.2.
Variant type: single nucleotide variant.
Coding change: c.265C>G on transcript NM_005055.5 (MANE Select); coding-DNA position 265, C replaced by G.
Protein change: p.Leu89Val; replaces leucine 89 with valine.
Molecular consequence: missense variant.
Genome position (GRCh38, 1-based): chr11:47,448,078, G>C on the plus strand (C>G on the coding strand, the complement: RAPSN is on the minus strand). VCF-style: chr11-47448078-G-C. GRCh37 (hg19) VCF-style: chr11-47469630-G-C.
Other names: c.265C>G, p.Leu89Val (NM_032645.5); short protein forms L89V.
Identifiers: ClinVar variation 968696 (VCV000968696.7), dbSNP rs543224303, ClinGen allele CA5976771.

ClinVar aggregate classification (germline): Uncertain significance. Review status: criteria provided, multiple submitters, no conflicts (2 of 4 stars). 3 submissions from 3 submitters: Uncertain significance (2). 1 of the submissions does not count toward it. Last evaluated 2023-11-24.

Conditions:
Congenital myasthenic syndrome (CMS). Also called: Congenital Myasthenic Syndromes. Identifiers: Orphanet 590, MedGen C0751882, MeSH D020294, MONDO:0018940.
Fetal akinesia deformation sequence 1 (FADS1). Also called: Pena-Shokeir syndrome type I; Fetal akinesia sequence. Identifiers: Orphanet 994, MedGen C1276035, MONDO:0100101, OMIM 208150, HP:0001989.
Congenital myasthenic syndrome 11. Also called: Myasthenic syndrome, congenital, 11, associated with acetylcholine receptor deficiency; MYASTHENIC SYNDROME, CONGENITAL, Ie. Identifiers: Orphanet 590, MedGen C4225367, MONDO:0014588, OMIM 616326.

Allele frequency attached by ClinVar (database versions not stated): gnomAD exomes below 0.00001; ExAC 0.00001; TOPMed 0.00001; gnomAD 0.00002 and 0.00003.
gnomAD v4.1: 9 of 1,613,900 alleles (0.00056%); highest among the groups gnomAD compares: South Asian, 0.0011%; no homozygotes.

Submissions (3):

Labcorp Genetics (formerly Invitae), Labcorp
Classification: Uncertain significance for Congenital myasthenic syndrome 11; Fetal akinesia deformation sequence 1. Last evaluated: 2023-11-24. Review status: criteria provided, single submitter. Criteria: Invitae Variant Classification Sherloc (09022015). Collection method: clinical testing. Allele origin: germline.
Comment: This sequence change replaces leucine, which is neutral and non-polar, with valine, which is neutral and non-polar, at codon 89 of the RAPSN protein (p.Leu89Val). This variant is present in population databases (rs543224303, gnomAD 0.003%). This variant has not been reported in the literature in individuals affected with RAPSN-related conditions. ClinVar contains an entry for this variant (Variation ID: 968696). Advanced modeling of protein sequence and biophysical properties (such as structural, functional, and spatial information, amino acid conservation, physicochemical variation, residue mobility, and thermodynamic stability) performed at Invitae indicates that this missense variant is not expected to disrupt RAPSN protein function with a negative predictive value of 80%. In summary, the available evidence is currently insufficient to determine the role of this variant in disease. Therefore, it has been classified as a Variant of Uncertain Significance.

Revvity Omics, Revvity
Classification: Uncertain significance. Last evaluated: 2021-10-13. Review status: criteria provided, single submitter. Criteria: ACMG Guidelines, 2015. Collection method: clinical testing. Allele origin: germline.

Natera, Inc.
Classification: Uncertain significance for Congenital myasthenic syndrome. Last evaluated: 2020-09-14. Review status: no assertion criteria provided. Collection method: clinical testing. Allele origin: germline. Not counted in ClinVar's aggregate classification.